The following is an entry in ClinVar:

NM_025099.6(CTC1):c.1165C>T (p.Arg389Cys)

Gene: CTC1 (CST telomere replication complex component 1; minus strand). Cytogenetic location: 17p13.1.
Variant type: single nucleotide variant.
Coding change: c.1165C>T on transcript NM_025099.6 (MANE Select); coding-DNA position 1165, C replaced by T.
Protein change: p.Arg389Cys; replaces arginine 389 with cysteine.
Molecular consequence: missense variant. On other transcripts: non-coding transcript variant (1).
Genome position (GRCh38, 1-based): chr17:8,235,872, G>A on the plus strand (C>T on the coding strand, the complement: CTC1 is on the minus strand). VCF-style: chr17-8235872-G-A. GRCh37 (hg19) VCF-style: chr17-8139190-G-A.
Other names: short protein forms R389C.
Identifiers: ClinVar variation 862297 (VCV000862297.8), dbSNP rs780333162, ClinGen allele CA8372443.

ClinVar aggregate classification (germline): Uncertain significance (1 of 4 stars; one submission).

Conditions:
Dyskeratosis congenita. Identifiers: Orphanet 1775, MedGen C0265965, MONDO:0015780.

Allele frequency attached by ClinVar (database versions not stated): ExAC 0.00001; gnomAD exomes 0.00001 and 0.00002; TOPMed 0.00002.

Submission:

Labcorp Genetics (formerly Invitae), Labcorp
Classification: Uncertain significance for Dyskeratosis congenita. Last evaluated: 2023-09-10. Review status: criteria provided, single submitter. Criteria: Invitae Variant Classification Sherloc (09022015). Collection method: clinical testing. Allele origin: germline.
Comment: In summary, the available evidence is currently insufficient to determine the role of this variant in disease. Therefore, it has been classified as a Variant of Uncertain Significance. Advanced modeling of protein sequence and biophysical properties (such as structural, functional, and spatial information, amino acid conservation, physicochemical variation, residue mobility, and thermodynamic stability) performed at Invitae indicates that this missense variant is not expected to disrupt CTC1 protein function. ClinVar contains an entry for this variant (Variation ID: 862297). This missense change has been observed in individual(s) with clinical features of developmental disorders (PMID: 28135719, 31785789). This variant is present in population databases (rs780333162, gnomAD 0.006%). This sequence change replaces arginine, which is basic and polar, with cysteine, which is neutral and slightly polar, at codon 389 of the CTC1 protein (p.Arg389Cys).

Literature cited by the submitters: PubMed 28135719; PubMed 31785789.